The following is an entry in ClinVar:

NM_000219.6(KCNE1):c.32C>G (p.Pro11Arg)

Gene: KCNE1 (potassium voltage-gated channel subfamily E regulatory subunit 1; minus strand). Cytogenetic location: 21q22.12.
Variant type: single nucleotide variant.
Coding change: c.32C>G on transcript NM_000219.6 (MANE Select); coding-DNA position 32, C replaced by G.
Protein change: p.Pro11Arg; replaces proline 11 with arginine.
Molecular consequence: missense variant.
Genome position (GRCh38, 1-based): chr21:34,449,603, G>C on the plus strand (C>G on the coding strand, the complement: KCNE1 is on the minus strand). VCF-style: chr21-34449603-G-C. GRCh37 (hg19) VCF-style: chr21-35821901-G-C.
Other names: c.32C>G (NM_000219.3); c.32C>G, p.Pro11Arg (NM_001127668.4, NM_001127669.4, NM_001127670.4 and 4 more transcripts); short protein forms P11R.
Identifiers: ClinVar variation 409230 (VCV000409230.16), dbSNP rs771981567, ClinGen allele CA16616263.

ClinVar aggregate classification (germline): Uncertain significance. Review status: criteria provided, multiple submitters, no conflicts (2 of 4 stars). 2 submissions from 2 submitters: Uncertain significance (2). Last evaluated 2025-12-15.

Conditions:
Long QT syndrome (LQTS). Identifiers: MedGen C0023976, MeSH D008133, MONDO:0002442. Disease mechanism: loss of function. Inheritance: Various modes of inheritance.

Submissions (3):

Labcorp Genetics (formerly Invitae), Labcorp
Classification: Uncertain significance for Long QT syndrome. Last evaluated: 2025-12-15. Review status: criteria provided, single submitter. Criteria: Invitae Variant Classification Sherloc (09022015). Collection method: clinical testing. Allele origin: germline.
Comment: This sequence change replaces proline, which is neutral and non-polar, with arginine, which is basic and polar, at codon 11 of the KCNE1 protein (p.Pro11Arg). This variant is present in population databases (no rsID available, gnomAD 0.006%). This variant has not been reported in the literature in individuals affected with KCNE1-related conditions. ClinVar contains an entry for this variant (Variation ID: 409230). Invitae Evidence Modeling of protein sequence and biophysical properties (such as structural, functional, and spatial information, amino acid conservation, physicochemical variation, residue mobility, and thermodynamic stability) indicates that this missense variant is not expected to disrupt KCNE1 protein function with a negative predictive value of 95%. In summary, the available evidence is currently insufficient to determine the role of this variant in disease. Therefore, it has been classified as a Variant of Uncertain Significance.

GeneDx
Classification: Uncertain significance. Last evaluated: 2024-09-11. Review status: criteria provided, single submitter. Criteria: GeneDx Variant Classification Process June 2021. Collection method: clinical testing. Allele origin: germline.
Comment: In silico analysis indicates that this missense variant does not alter protein structure/function; Has not been previously published as pathogenic or benign to our knowledge

Roden Lab, Vanderbilt University Medical Center
No classification provided (evidence only). Condition: Long QT syndrome 5. Review status: no classification provided. Collection method: in vitro. Allele origin: not applicable. Functional consequence: Effect on ion channel function. Not counted in ClinVar's aggregate classification.
ClinVar note: "not provided" was previously submitted as the classification for the variant. However, the classification appeared to be based only on an observation of functional data so it was converted to no classification on 2025-07-30.